The following is an entry in ClinVar:

NM_001244008.2(KIF1A):c.3185ACA[2] (p.Asn1064del)

Gene: KIF1A (kinesin family member 1A; minus strand). Cytogenetic location: 2q37.3.
Variant type: Microsatellite.
Coding change: c.3185ACA[2] on transcript NM_001244008.2 (MANE Select); two copies in a row of the 3-base unit ACA starting at c.3185; the reference has three copies in a row; one copy, 3 bases deleted.
Protein change: p.Asn1064del; deletes asparagine 1064.
Molecular consequence: inframe deletion. On other transcripts: inframe indel (1).
Genome position (GRCh38, 1-based): chr2:240,746,048-240,746,050, TGT deleted on the plus strand (ACA on the coding strand, the reverse complement: KIF1A is on the minus strand); deleting any 3 consecutive bases within chr2:240,746,048-240,746,058 gives the same sequence; the position shown is the placement nearest the transcript's 3' end. VCF-style (leftmost placement, unchanged base first): chr2-240746047-GTGT-G. GRCh37 (hg19) VCF-style: chr2-241685464-GTGT-G.
Other names: c.2909ACA[2], p.Asn972del (NM_001320705.2, NM_001330289.2, NM_001379638.1); c.2984ACA[2], p.Asn997del (NM_001330290.2, NM_001379634.1, NM_001379635.1 and 1 more transcripts); c.3260ACA[2], p.Asn1089del (NM_001379631.1); c.3134ACA[2], p.Asn1047del (NM_001379632.1); c.3158ACA[2], p.Asn1055del (NM_001379633.1, NM_001379642.1, NM_001379645.1); c.2882ACA[2], p.Asn963del (NM_001379636.1, NM_001379639.1, NM_001379640.1 and 6 more transcripts); c.2957ACA[2], p.Asn988del (NM_001379637.1, NM_001379648.1); c.2880_2882CAA[2], p.Asn963del (NM_001379654.1); short protein forms N1064del, N1089del, N988del, N1055del, N963del, N972del, N1047del, N997del.
Identifiers: ClinVar variation 1988378 (VCV001988378.4), dbSNP rs1328968228, ClinGen allele CA540752844.
Genomic context (GRCh38, chr2:240,746,047, plus strand): 5'-AACCAGGTCTCAGCATCCCCTACGCCCTGGGCAGCTGGGGTGGGCGACCCACCTGAACAG[GTGT>G]TGTTGTTGACTTCATCGGCTGAGGGCCCCACGTCTGCACCCTGGCCCTGGCCCTCCACGA-3'

ClinVar aggregate classification (germline): Uncertain significance (1 of 4 stars; one submission).

Conditions:
Hereditary spastic paraplegia 30. Identifiers: Orphanet 101010, MedGen C5235139, MONDO:0012476.
Neuropathy, hereditary sensory, type 2C. Also called: Hereditary sensory and autonomic neuropathy type IIC; KIF1A-Related HSAN2 (HSAN2C). Identifiers: Orphanet 970, MedGen C3280168, MONDO:0013634, OMIM 614213.
Intellectual disability, autosomal dominant 9 (NESCAVS). Also called: NESCAV SYNDROME; KIF1A-Related Neurodevelopmental Disorder. Identifiers: Orphanet 662367, MedGen C5393830, MONDO:0013656, OMIM 614255.

Submission:

Labcorp Genetics (formerly Invitae), Labcorp
Classification: Uncertain significance for Hereditary spastic paraplegia 30; Neuropathy, hereditary sensory, type 2C; Intellectual disability, autosomal dominant 9. Last evaluated: 2022-07-03. Review status: criteria provided, single submitter. Criteria: Invitae Variant Classification Sherloc (09022015). Collection method: clinical testing. Allele origin: germline.
Comment: This variant, c.2888_2890del, results in the deletion of 1 amino acid(s) of the KIF1A protein (p.Asn963del), but otherwise preserves the integrity of the reading frame. The frequency data for this variant in the population databases is considered unreliable, as metrics indicate poor data quality at this position in the gnomAD database. This variant has not been reported in the literature in individuals affected with KIF1A-related conditions. Experimental studies and prediction algorithms are not available or were not evaluated, and the functional significance of this variant is currently unknown. In summary, the available evidence is currently insufficient to determine the role of this variant in disease. Therefore, it has been classified as a Variant of Uncertain Significance.